The following is an entry in ClinVar:

NM_001367561.1(DOCK7):c.3326C>T (p.Pro1109Leu)

Gene: DOCK7 (dedicator of cytokinesis 7; minus strand). Cytogenetic location: 1p31.3.
Variant type: single nucleotide variant.
Coding change: c.3326C>T on transcript NM_001367561.1 (MANE Select); coding-DNA position 3326, C replaced by T.
Protein change: p.Pro1109Leu; replaces proline 1109 with leucine.
Molecular consequence: missense variant.
Genome position (GRCh38, 1-based): chr1:62,538,036, G>A on the plus strand (C>T on the coding strand, the complement: DOCK7 is on the minus strand). VCF-style: chr1-62538036-G-A. GRCh37 (hg19) VCF-style: chr1-63003707-G-A.
Other names: c.3233C>T (NM_033407.2); c.3326C>T, p.Pro1109Leu (NM_001271999.2, NM_001330614.2); c.3233C>T, p.Pro1078Leu (NM_001272000.2, NM_001272001.2, NM_033407.4); short protein forms P1109L, P1078L.
Identifiers: ClinVar variation 640279 (VCV000640279.10), dbSNP rs537709953, ClinGen allele CA886023.

ClinVar aggregate classification (germline): Uncertain significance. Review status: criteria provided, multiple submitters, no conflicts (2 of 4 stars). 4 submissions from 4 submitters: Uncertain significance (4). Last evaluated 2025-06-16.

Conditions:
Inborn genetic diseases. Identifiers: MedGen C0950123, MeSH D030342.
Developmental and epileptic encephalopathy, 23 (DEE23). Also called: Epileptic encephalopathy, early infantile, 23. Identifiers: Orphanet 411986, MedGen C4014492, MONDO:0014371, OMIM 615859.

Allele frequency attached by ClinVar (database versions not stated): ExAC 0.00001; TOPMed 0.00001.
gnomAD v4.1: 18 of 1,613,604 alleles (0.0011%); highest among the groups gnomAD compares: East Asian, 0.0022%; no homozygotes.

Submissions (4):

GeneDx
Classification: Uncertain significance. Last evaluated: 2025-06-16. Review status: criteria provided, single submitter. Criteria: GeneDx Variant Classification Process June 2021. Collection method: clinical testing. Allele origin: germline. Affected: yes.
Comment: Not observed at significant frequency in large population cohorts (gnomAD); In silico analysis supports that this missense variant has a deleterious effect on protein structure/function; Has not been previously published as pathogenic or benign to our knowledge

Genome-Nilou Lab
Classification: Uncertain significance for Developmental and epileptic encephalopathy, 23. Last evaluated: 2023-04-11. Review status: criteria provided, single submitter. Criteria: ACMG Guidelines, 2015. Collection method: clinical testing. Allele origin: germline. Affected: no.

Ambry Genetics
Classification: Uncertain significance for Inborn genetic diseases. Last evaluated: 2022-12-14. Review status: criteria provided, single submitter. Criteria: Ambry Variant Classification Scheme 2023. Collection method: clinical testing. Allele origin: germline.

Labcorp Genetics (formerly Invitae), Labcorp
Classification: Uncertain significance for Developmental and epileptic encephalopathy, 23. Last evaluated: 2022-08-23. Review status: criteria provided, single submitter. Criteria: Invitae Variant Classification Sherloc (09022015). Collection method: clinical testing. Allele origin: germline.
Comment: ClinVar contains an entry for this variant (Variation ID: 640279). Algorithms developed to predict the effect of missense changes on protein structure and function (SIFT, PolyPhen-2, Align-GVGD) all suggest that this variant is likely to be tolerated. In summary, the available evidence is currently insufficient to determine the role of this variant in disease. Therefore, it has been classified as a Variant of Uncertain Significance. This variant has not been reported in the literature in individuals affected with DOCK7-related conditions. This sequence change replaces proline, which is neutral and non-polar, with leucine, which is neutral and non-polar, at codon 1109 of the DOCK7 protein (p.Pro1109Leu). The frequency data for this variant in the population databases is considered unreliable, as metrics indicate poor data quality at this position in the gnomAD database.